The following is an entry in ClinVar:

NM_032043.3(BRIP1):c.844A>T (p.Thr282Ser)

Gene: BRIP1 (BRCA1 interacting DNA helicase 1; minus strand). Cytogenetic location: 17q23.2.
Variant type: single nucleotide variant.
Coding change: c.844A>T on transcript NM_032043.3 (MANE Select); coding-DNA position 844, A replaced by T.
Protein change: p.Thr282Ser; replaces threonine 282 with serine.
Molecular consequence: missense variant.
Genome position (GRCh38, 1-based): chr17:61,808,541, T>A on the plus strand (A>T on the coding strand, the complement: BRIP1 is on the minus strand). VCF-style: chr17-61808541-T-A. GRCh37 (hg19) VCF-style: chr17-59885902-T-A.
Other names: short protein forms T282S.
Identifiers: ClinVar variation 822446 (VCV000822446.6), dbSNP rs1603346704, ClinGen allele CA400484794.
Genomic context (GRCh38, chr17:61,808,541, plus strand): 5'-GCAATTCCATGCACTTCTCATTTCTGTTGAAGTTACCGACTACCTCAGGATGGACACAAG[T>A]ATGATCCCTGCTGGAAAGAATAGTCATTGGAACCCCTGAATATGCCGTCCTCCGGAGCTC-3'
Protein context (NP_114432.2, residues 272-292): PMTILSSRDH[Thr282Ser]CVHPEVVGNF

ClinVar aggregate classification (germline): Uncertain significance. Review status: criteria provided, multiple submitters, no conflicts (2 of 4 stars). 2 submissions from 2 submitters: Uncertain significance (2). Last evaluated 2025-02-06.

Conditions:
Hereditary cancer-predisposing syndrome. Also called: Hereditary Cancer Syndrome; Neoplastic Syndromes, Hereditary; Hereditary neoplastic syndrome; Tumor predisposition. Identifiers: Orphanet 140162, MedGen C0027672, MeSH D009386, MONDO:0015356.
Familial cancer of breast. Also called: Hereditary breast cancer; hereditary breast carcinoma; BREAST CANCER, FAMILIAL. Identifiers: Orphanet 227535, MedGen C0346153, MONDO:0016419, OMIM 114480. Disease mechanism: loss of function.
Fanconi anemia complementation group J. Also called: BRIP1-Related Fanconi Anemia. Identifiers: Orphanet 84, MedGen C1836860, MONDO:0012187, OMIM 609054.

Submissions (2):

Labcorp Genetics (formerly Invitae), Labcorp
Classification: Uncertain significance for Familial cancer of breast; Fanconi anemia complementation group J. Last evaluated: 2025-02-06. Review status: criteria provided, single submitter. Criteria: Invitae Variant Classification Sherloc (09022015). Collection method: clinical testing. Allele origin: germline.
Comment: This sequence change replaces threonine, which is neutral and polar, with serine, which is neutral and polar, at codon 282 of the BRIP1 protein (p.Thr282Ser). This variant is not present in population databases (gnomAD no frequency). This variant has not been reported in the literature in individuals affected with BRIP1-related conditions. ClinVar contains an entry for this variant (Variation ID: 822446). Invitae Evidence Modeling of protein sequence and biophysical properties (such as structural, functional, and spatial information, amino acid conservation, physicochemical variation, residue mobility, and thermodynamic stability) indicates that this missense variant is not expected to disrupt BRIP1 protein function with a negative predictive value of 95%. In summary, the available evidence is currently insufficient to determine the role of this variant in disease. Therefore, it has been classified as a Variant of Uncertain Significance.

Ambry Genetics
Classification: Uncertain significance for Hereditary cancer-predisposing syndrome. Last evaluated: 2024-09-09. Review status: criteria provided, single submitter. Criteria: Ambry Variant Classification Scheme 2023. Collection method: clinical testing. Allele origin: germline.
Comment: The p.T282S variant (also known as c.844A>T), located in coding exon 6 of the BRIP1 gene, results from an A to T substitution at nucleotide position 844. The threonine at codon 282 is replaced by serine, an amino acid with similar properties. This amino acid position is well conserved in available vertebrate species. In addition, this alteration is predicted to be tolerated by in silico analysis. Since supporting evidence is limited at this time, the clinical significance of this alteration remains unclear.